The following is an entry in ClinVar:

ClinVar aggregate classification (germline): Uncertain significance (1 of 4 stars; one submission).

Conditions:
Early-infantile DEE. Also called: Ohtahara syndrome; Early infantile epileptic encephalopathy with suppression bursts; Early infantile epileptic encephalopathy. Identifiers: Orphanet 1934, MedGen C0393706, MONDO:0800491.

Submission:

Labcorp Genetics (formerly Invitae), Labcorp
Classification: Uncertain significance for Early-infantile DEE. Last evaluated: 2024-05-15. Review status: criteria provided, single submitter. Criteria: Invitae Variant Classification Sherloc (09022015). Collection method: clinical testing. Allele origin: germline.
Comment: This sequence change falls in intron 20 of the SCN1A gene. It does not directly change the encoded amino acid sequence of the SCN1A protein. However, this sequence change falls within a region encompassing a cryptic exon in the SCN1A gene, in which variants have been shown to alter splicing (PMID: 30526861, 34107977). This variant is not present in population databases (gnomAD no frequency). This variant has not been reported in the literature in individuals affected with SCN1A-related conditions. Algorithms developed to predict the effect of sequence changes on RNA splicing suggest that this variant is not likely to affect RNA splicing. In summary, the available evidence is currently insufficient to determine the role of this variant in disease. Therefore, it has been classified as a Variant of Uncertain Significance.

Literature cited by the submitters: PubMed 30526861; PubMed 34107977.

NM_001165963.4(SCN1A):c.4002+2557G>T

Genes: SCN1A (sodium voltage-gated channel alpha subunit 1; minus strand), LOC102724058 (uncharacterized LOC102724058; plus strand). Cytogenetic location: 2q24.3.
Variant type: single nucleotide variant.
Coding change: c.4002+2557G>T on transcript NM_001165963.4 (MANE Select); 2557 bases into the intron after coding-DNA position 4002, G replaced by T.
Molecular consequence: intron variant.
Genome position (GRCh38, 1-based): chr2:166,007,162, C>A on the plus strand (G>T on the coding strand, the complement: SCN1A is on the minus strand). VCF-style: chr2-166007162-C-A. GRCh37 (hg19) VCF-style: chr2-166863672-C-A.
Other names: c.3966+2557G>T (NM_001353955.2, NM_001353954.2); c.3918+2557G>T (NM_001353957.2, NM_001165964.3, NM_001353958.2); c.3969+2557G>T (NM_001353951.2, NM_001353952.2, NM_006920.6 and 2 more transcripts); c.4002+2557G>T (NM_001353948.2, NM_001202435.3); c.3915+2557G>T (NM_001353960.2); c.1560+2557G>T (NM_001353961.2).
Identifiers: ClinVar variation 2694263 (VCV002694263.3), dbSNP rs1234324359, ClinGen allele CA2697551216.